The following is an entry in ClinVar:

NM_153717.3(EVC):c.973C>T (p.Gln325Ter)

Gene: EVC (EvC ciliary complex subunit 1; plus strand). Cytogenetic location: 4p16.2.
Variant type: single nucleotide variant.
Coding change: c.973C>T on transcript NM_153717.3 (MANE Select); coding-DNA position 973, C replaced by T.
Protein change: p.Gln325Ter; replaces glutamine 325 with a stop codon.
Molecular consequence: nonsense.
Genome position (GRCh38, 1-based): chr4:5,748,181, C>T. VCF-style: chr4-5748181-C-T. GRCh37 (hg19) VCF-style: chr4-5749908-C-T.
Other names: c.973C>T, p.Gln325Ter (NM_001306090.2, NM_001306092.2); short protein forms Q325*.
Identifiers: ClinVar variation 968311 (VCV000968311.4), dbSNP rs1729654379, ClinGen allele CA356151137.

ClinVar aggregate classification (germline): Pathogenic/Likely pathogenic. Review status: criteria provided, multiple submitters, no conflicts (2 of 4 stars). 2 submissions from 2 submitters: Pathogenic (1); Likely pathogenic (1). Last evaluated 2019-11-04.

Conditions:
Ellis-van Creveld syndrome (EVC). Also called: Chondroectodermal dysplasia; MESOECTODERMAL DYSPLASIA. Identifiers: Orphanet 289, MedGen C0013903, MONDO:0009162, OMIM 225500.
Curry-Hall syndrome (WAD). Also called: WEYERS ACRODENTAL DYSOSTOSIS. Identifiers: Orphanet 952, MedGen C0457013, MONDO:0008673, OMIM 193530.

Allele frequency attached by ClinVar (database versions not stated): TOPMed below 0.00001; gnomAD exomes 0.00001.
gnomAD v4.1: 5 of 1,614,182 alleles (0.00031%); highest among the groups gnomAD compares: Non-Finnish European, 0.00042%; no homozygotes.

Submissions (2):

Labcorp Genetics (formerly Invitae), Labcorp
Classification: Pathogenic for Curry-Hall syndrome; Ellis-van Creveld syndrome. Last evaluated: 2019-11-04. Review status: criteria provided, single submitter. Criteria: Invitae Variant Classification Sherloc (09022015). Collection method: clinical testing. Allele origin: germline.
Comment: This sequence change creates a premature translational stop signal (p.Gln325*) in the EVC gene. It is expected to result in an absent or disrupted protein product. This variant is not present in population databases (ExAC no frequency). This variant has not been reported in the literature in individuals with EVC-related conditions. Loss-of-function variants in EVC are known to be pathogenic (PMID: 23220543). For these reasons, this variant has been classified as Pathogenic.

Juno Genomics, Hangzhou Juno Genomics, Inc
Classification: Likely pathogenic for Curry-Hall syndrome; Ellis-van Creveld syndrome. Review status: criteria provided, single submitter. Criteria: ACMG Guidelines, 2015. Collection method: clinical testing. Allele origin: germline.
Comment: Null variant in a gene where loss of function (LOF) is a known mechanism of disease.;Absent from controls (or at extremely low frequency if recessive) in Genome Aggregation Database.